The following is an entry in ClinVar:

NM_012210.4(TRIM32):c.558G>C (p.Gln186His)

Genes: ASTN2 (astrotactin 2; minus strand), TRIM32 (tripartite motif containing 32; plus strand). Cytogenetic location: 9q33.1.
Variant type: single nucleotide variant.
Coding change: c.558G>C on transcript NM_012210.4 (MANE Select); coding-DNA position 558, G replaced by C.
Protein change: p.Gln186His; replaces glutamine 186 with histidine.
Molecular consequence: missense variant. On other transcripts: intron variant (3).
Genome position (GRCh38, 1-based): chr9:116,698,300, G>C. VCF-style: chr9-116698300-G-C. GRCh37 (hg19) VCF-style: chr9-119460579-G-C.
Other names: c.558G>C, p.Gln186His (NM_001099679.2, NM_001379048.1, NM_001379049.1 and 1 more transcripts); c.2653+27471C>G (NM_014010.5); c.2794+27471C>G (NM_001365069.1); c.2806+27471C>G (NM_001365068.1); short protein forms Q186H.
Identifiers: ClinVar variation 195280 (VCV000195280.68), dbSNP rs117599771, ClinGen allele CA241629.
Genomic context (GRCh38, chr9:116,698,300, plus strand): 5'-GAAGGCAGCCTTGGAAGGTGTCTCCAAGGACCTTCAGGCAAGGTATAAAGCAGTTCTCCA[G>C]GAGTATGGGCATGAGGAGCGCAGGGTCCAGGATGAGCTGGCTCGCTCTCGGAAGTTCTTC-3'
Protein context (NP_036342.2, residues 176-196): DLQARYKAVL[Gln186His]EYGHEERRVQ

ClinVar aggregate classification (germline): Conflicting classifications of pathogenicity. Review status: criteria provided, conflicting classifications (1 of 4 stars). 10 submissions from 9 submitters: Uncertain significance (3); Likely benign (6). 1 of the submissions does not count toward it. Last evaluated 2026-08-01.

Conditions:
TRIM32-related disorder. Also called: TRIM32-related condition.
Bardet-Biedl syndrome (BBS). Identifiers: Orphanet 110, MedGen C0752166, MONDO:0015229.
Sarcotubular myopathy (LGMDR8). Also called: Autosomal recessive limb-girdle muscular dystrophy type 2H; Limb-girdle muscular dystrophy, type 2H; Hutterite type of muscular dystrophy; MUSCULAR DYSTROPHY, LIMB-GIRDLE, AUTOSOMAL RECESSIVE 8. Identifiers: Orphanet 1878, MedGen C0270968, MONDO:0009683, OMIM 254110.
Bardet-Biedl syndrome 11 (BBS11). Identifiers: Orphanet 110, MedGen C1859569, MONDO:0014439, OMIM 615988.

Allele frequency attached by ClinVar (database versions not stated): 1000 Genomes Project 0.00120; 1000 Genomes Project 30x 0.00125; TOPMed 0.00169; gnomAD 0.00183 and 0.00187; gnomAD exomes 0.00188 and 0.00262; ESP Exome Variant Server 0.00192; ExAC 0.00205.
gnomAD v4.1: 4,080 of 1,614,180 alleles (0.25%); highest among the groups gnomAD compares: Middle Eastern, 0.36%; 9 homozygotes.

Submissions (10):

CeGaT Center for Human Genetics Tuebingen
Classification: Likely benign. Last evaluated: 2026-08-01. Review status: criteria provided, single submitter. Criteria: CeGaT Center For Human Genetics Tuebingen Variant Classification Criteria Version 2. Collection method: clinical testing. Allele origin: germline. Affected: yes. Observed: 10 variant alleles.
Comment: ASTN2: BS1; TRIM32: BS2

Labcorp Genetics (formerly Invitae), Labcorp
Classification: Likely benign for Bardet-Biedl syndrome. Last evaluated: 2026-02-03. Review status: criteria provided, single submitter. Criteria: Invitae Variant Classification Sherloc (09022015). Collection method: clinical testing. Allele origin: germline.

Athena Diagnostics
Classification: Likely benign. Last evaluated: 2025-03-13. Review status: criteria provided, single submitter. Criteria: Athena Diagnostics Criteria. Collection method: clinical testing. Allele origin: unknown.
Comment: The frequency of this variant in the general population is higher than would generally be expected for pathogenic variants in this gene.

Blueprint Genetics
Classification: Likely benign. Last evaluated: 2024-11-26. Review status: criteria provided, single submitter. Criteria: ACMG Guidelines, 2015. Collection method: clinical testing. Allele origin: germline.

Mayo Clinic Laboratories, Mayo Clinic
Classification: Uncertain significance. Last evaluated: 2020-04-16. Review status: criteria provided, single submitter. Criteria: ACMG Guidelines, 2015. Collection method: clinical testing. Allele origin: germline. Observed: 1 variant allele.

GeneDx
Classification: Likely benign. Last evaluated: 2020-03-20. Review status: criteria provided, single submitter. Criteria: GeneDx Variant Classification Process June 2021. Collection method: clinical testing. Allele origin: germline. Affected: yes.
Comment: This variant is associated with the following publications: (PMID: 27323230, 27353947)

Illumina Laboratory Services, Illumina
Classification: Uncertain significance for Bardet-Biedl syndrome 11. Last evaluated: 2018-01-13. Review status: criteria provided, single submitter. Criteria: ICSL Variant Classification Criteria 13 December 2019. Collection method: clinical testing. Allele origin: germline.

Illumina Laboratory Services, Illumina
Classification: Uncertain significance for Sarcotubular myopathy. Last evaluated: 2018-01-13. Review status: criteria provided, single submitter. Criteria: ICSL Variant Classification Criteria 13 December 2019. Collection method: clinical testing. Allele origin: germline.

Eurofins Ntd Llc (ga)
Classification: Likely benign. Last evaluated: 2016-05-18. Review status: criteria provided, single submitter. Criteria: EGL Classification Definitions 2015. Collection method: clinical testing. Allele origin: germline. Observed: 19 variant alleles, 19 heterozygotes.

PreventionGenetics, part of Exact Sciences
Classification: Likely benign for TRIM32-related condition. Last evaluated: 2019-12-11. Review status: no assertion criteria provided. Collection method: clinical testing. Allele origin: germline. Not counted in ClinVar's aggregate classification.
Comment: This variant is classified as likely benign based on ACMG/AMP sequence variant interpretation guidelines (Richards et al. 2015 PMID: 25741868, with internal and published modifications).

Literature cited by the submitters: PubMed 31862442 (cited by Athena Diagnostics); PubMed 27353947 (cited by Athena Diagnostics).